The following is an entry in ClinVar:

NM_170675.5(MEIS2):c.904C>A (p.Pro302Thr)

Gene: MEIS2 (Meis homeobox 2; minus strand). Cytogenetic location: 15q14.
Variant type: single nucleotide variant.
Coding change: c.904C>A on transcript NM_170675.5 (MANE Select); coding-DNA position 904, C replaced by A.
Protein change: p.Pro302Thr; replaces proline 302 with threonine.
Molecular consequence: missense variant.
Genome position (GRCh38, 1-based): chr15:36,950,397, G>T on the plus strand (C>A on the coding strand, the complement: MEIS2 is on the minus strand). VCF-style: chr15-36950397-G-T. GRCh37 (hg19) VCF-style: chr15-37242598-G-T.
Other names: c.904C>A, p.Pro302Thr (NM_001220482.2, NM_170674.5, NM_170676.5 and 1 more transcripts); c.865C>A, p.Pro289Thr (NM_002399.4, NM_172315.3); c.640C>A, p.Pro214Thr (NM_172316.3); short protein forms P214T, P289T, P302T.
Identifiers: ClinVar variation 2758178 (VCV002758178.3), dbSNP rs2504536118, ClinGen allele CA391927181.

ClinVar aggregate classification (germline): Uncertain significance (1 of 4 stars; one submission).

Conditions:
Cardiac malformation, cleft lip/palate, microcephaly, and digital anomalies. Also called: CLEFT PALATE, CARDIAC DEFECTS, AND IMPAIRED INTELLECTUAL DEVELOPMENT. Identifiers: MedGen C1832950, MONDO:0010970, OMIM 600987.

Submission:

Labcorp Genetics (formerly Invitae), Labcorp
Classification: Uncertain significance for Cardiac malformation, cleft lip/palate, microcephaly, and digital anomalies. Last evaluated: 2023-09-05. Review status: criteria provided, single submitter. Criteria: Invitae Variant Classification Sherloc (09022015). Collection method: clinical testing. Allele origin: germline.
Comment: Advanced modeling of protein sequence and biophysical properties (such as structural, functional, and spatial information, amino acid conservation, physicochemical variation, residue mobility, and thermodynamic stability) performed at Invitae indicates that this missense variant is expected to disrupt MEIS2 protein function. In summary, the available evidence is currently insufficient to determine the role of this variant in disease. Therefore, it has been classified as a Variant of Uncertain Significance. This variant disrupts the p.Pro302 amino acid residue in MEIS2. Other variant(s) that disrupt this residue have been determined to be pathogenic (PMID: 30055086). This suggests that this residue is clinically significant, and that variants that disrupt this residue are likely to be disease-causing. This variant has not been reported in the literature in individuals affected with MEIS2-related conditions. This variant is not present in population databases (gnomAD no frequency). This sequence change replaces proline, which is neutral and non-polar, with threonine, which is neutral and polar, at codon 302 of the MEIS2 protein (p.Pro302Thr).

Literature cited by the submitters: PubMed 30055086.